The following is an entry in ClinVar:

NC_000009.12:g.(?_128522658)_(128527535_?)del

Gene: GLE1 (GLE1 RNA export mediator; plus strand). Cytogenetic location: 9q34.11.
Variant type: Deletion.
Identifiers: ClinVar variation 832435 (VCV000832435.5).

ClinVar aggregate classification (germline): Pathogenic (1 of 4 stars; one submission).

Submission:

Labcorp Genetics (formerly Invitae), Labcorp
Classification: Pathogenic. Last evaluated: 2022-03-16. Review status: criteria provided, single submitter. Criteria: Invitae Variant Classification Sherloc (09022015). Collection method: clinical testing. Allele origin: germline.
Comment: This variant is a gross deletion of the genomic region encompassing exon(s) 4-9 of the GLE1 gene. This deletion is out-of-frame, and is expected to create a premature termination codon and result in an absent or disrupted protein product. Loss-of-function variants in GLE1 are known to be pathogenic (PMID: 18204449, 24243016, 27684565). This variant has not been reported in the literature in individuals affected with GLE1-related conditions. For these reasons, this variant has been classified as Pathogenic.

Literature cited by the submitters: PubMed 18204449; PubMed 24243016; PubMed 27684565.